The following is an entry in ClinVar:

ClinVar aggregate classification (germline): Uncertain significance (1 of 4 stars; one submission).

Conditions:
Hereditary cancer-predisposing syndrome. Also called: Neoplastic Syndromes, Hereditary; Tumor predisposition; Hereditary Cancer Syndrome; Hereditary neoplastic syndrome. Identifiers: Orphanet 140162, MedGen C0027672, MeSH D009386, MONDO:0015356.

Submission:

Ambry Genetics
Classification: Uncertain significance for Hereditary cancer-predisposing syndrome. Last evaluated: 2026-07-28. Review status: criteria provided, single submitter. Criteria: Ambry Variant Classification Scheme 2023. Collection method: clinical testing. Allele origin: germline.
Comment: The p.L1022F variant (also known as c.3064C>T), located in coding exon 26 of the TSC2 gene, results from a C to T substitution at nucleotide position 3064. The leucine at codon 1022 is replaced by phenylalanine, an amino acid with highly similar properties. This amino acid position is conserved. In addition, this alteration is predicted to be deleterious by in silico analysis. Based on the available evidence, the clinical significance of this variant remains unclear.

NM_000548.5(TSC2):c.3064C>T (p.Leu1022Phe)

Gene: TSC2 (TSC complex subunit 2; plus strand). Cytogenetic location: 16p13.3.
Variant type: single nucleotide variant.
Coding change: c.3064C>T on transcript NM_000548.5 (MANE Select); coding-DNA position 3064, C replaced by T.
Protein change: p.Leu1022Phe; replaces leucine 1022 with phenylalanine.
Molecular consequence: missense variant. On other transcripts: non-coding transcript variant (5).
Genome position (GRCh38, 1-based): chr16:2,079,129, C>T. VCF-style: chr16-2079129-C-T. GRCh37 (hg19) VCF-style: chr16-2129130-C-T.
Other names: c.2917C>T, p.Leu973Phe (NM_001406675.1); c.2914C>T, p.Leu972Phe (NM_001406676.1); c.2875C>T, p.Leu959Phe (NM_001406677.1); c.2821C>T, p.Leu941Phe (NM_001406678.1); c.2785C>T, p.Leu929Phe (NM_001406679.1); c.2464C>T, p.Leu822Phe (NM_001406680.1, NM_001406682.1, NM_001406683.1); c.2473C>T, p.Leu825Phe (NM_001406681.1); c.2461C>T, p.Leu821Phe (NM_001406684.1); and 18 more; short protein forms L444F, L530F, L821F, L942F, L973F, L978F, L574F, L941F.
Identifiers: ClinVar variation 4192183 (VCV004192183.2).